The following is an entry in ClinVar:

ClinVar aggregate classification (germline): Pathogenic (1 of 4 stars; one submission).

Conditions:
GNPTAB-mucolipidosis. Also called: UDP-N-acetylglucosamine-1-phosphotransferase subunit alpha/beta deficiency. Identifiers: MedGen CN322573, MONDO:0100122.

Submission:

Myriad Genetics, Inc.
Classification: Pathogenic for GNPTAB-mucolipidosis. Last evaluated: 2024-01-24. Review status: criteria provided, single submitter. Criteria: Myriad Autosomal Dominant, Autosomal Recessive and X-Linked Classification Criteria (2023). Collection method: clinical testing. Allele origin: unknown.
Comment: NM_024312.4(GNPTAB):c.629dupG(Y211Lfs*6) is expected to be pathogenic in the context of GNPTAB-related disorders. This variant is predicted to lead to an abnormal or absent protein product due to the creation of a premature termination codon in GNPTAB, a gene where loss-of-function variants are known to be pathogenic. Please note: this variant was assessed in the context of healthy population screening.

NM_024312.5(GNPTAB):c.629dup (p.Tyr211fs)

Gene: GNPTAB (N-acetylglucosamine-1-phosphate transferase subunits alpha and beta; minus strand). Cytogenetic location: 12q23.2.
Variant type: Duplication.
Coding change: c.629dup on transcript NM_024312.5 (MANE Select); coding-DNA position 629, one base duplicated (G; older notation c.629dupG).
Protein change: p.Tyr211fs; shifts the reading frame from tyrosine 211.
Molecular consequence: frameshift variant.
Genome position (GRCh38, 1-based): chr12:101,780,564, C duplicated on the plus strand (G on the coding strand, the reverse complement: GNPTAB is on the minus strand); the first of 4 consecutive C bases (chr12:101,780,564-101,780,567); duplicating any one gives the same sequence. VCF-style (leftmost placement, unchanged base first): chr12-101780563-G-GC. GRCh37 (hg19) VCF-style: chr12-102174341-G-GC.
Other names: short protein forms Y211fs.
Identifiers: ClinVar variation 5012680 (VCV005012680.1).
Genomic context (GRCh38, chr12:101,780,563, plus strand): 5'-CATATTTTTATTCTAGTCTATTGTAAAAATGCAATTAAATTTAAAATAACATACCAAGTA[G>GC]CCCCTCCATACTGTCTGTCTGCTATTTCCTTTAAGCAGTCCAGAGTGGGCATCTTCAACT-3'